The following is an entry in ClinVar:

NM_000059.4(BRCA2):c.6604G>A (p.Asp2202Asn)

Gene: BRCA2 (BRCA2 DNA repair associated; plus strand). Cytogenetic location: 13q13.1.
Variant type: single nucleotide variant.
Coding change: c.6604G>A on transcript NM_000059.4 (MANE Select); coding-DNA position 6604, G replaced by A.
Protein change: p.Asp2202Asn; replaces aspartic acid 2202 with asparagine.
Molecular consequence: missense variant. On other transcripts: non-coding transcript variant (1), intron variant (2).
Genome position (GRCh38, 1-based): chr13:32,340,959, G>A. VCF-style: chr13-32340959-G-A. GRCh37 (hg19) VCF-style: chr13-32915096-G-A.
Other names: c.6604G>A, p.Asp2202Asn (NM_001406719.1, NM_001406720.1, NM_001432077.1); c.1910-3599G>A (NM_001406721.1); c.425-3599G>A (NM_001406722.1); short protein forms D2202N.
Identifiers: ClinVar variation 5016520 (VCV005016520.1).

ClinVar aggregate classification (germline): Likely benign (1 of 4 stars; one submission).

Conditions:
Inherited breast cancer and ovarian cancer.

Submission:

Cambridge Genomics Laboratory, East Genomic Laboratory Hub, NHS Genomic Medicine Service
Classification: Likely benign for Inherited breast cancer and ovarian cancer. Last evaluated: 2026-09-14. Review status: criteria provided, single submitter. Criteria: ACGS Best Practice Guidelines for Variant Classification in Rare Disease 2020. Collection method: clinical testing. Allele origin: germline. Affected: yes.
Comment: PM2,BP1_Strong,BP4